The following is an entry in ClinVar:

NM_001261826.3(AP3D1):c.2891_2893dup (p.Ala964_Gly965insAla)

Gene: AP3D1 (adaptor related protein complex 3 subunit delta 1; minus strand). Cytogenetic location: 19p13.3.
Variant type: Duplication.
Coding change: c.2891_2893dup on transcript NM_001261826.3 (MANE Select); coding-DNA positions 2891 to 2893, 3 bases duplicated (CGG; older notation c.2891_2893dupCGG).
Protein change: p.Ala964_Gly965insAla.
Molecular consequence: inframe insertion.
Genome position (GRCh38, 1-based): chr19:2,111,723-2,111,725, CCG duplicated on the plus strand (CGG on the coding strand, the reverse complement: AP3D1 is on the minus strand); duplicating any 3 consecutive bases within chr19:2,111,723-2,111,726 gives the same sequence; the c. name uses the placement nearest the transcript's 3' end. VCF-style (leftmost placement, unchanged base first): chr19-2111722-C-CCCG. GRCh37 (hg19) VCF-style: chr19-2111721-C-CCCG.
Other names: c.2855_2857dup, p.Ala952_Gly953insAla (NM_001374799.1); c.2705_2707dup, p.Ala902_Gly903insAla (NM_003938.8).
Identifiers: ClinVar variation 4729777 (VCV004729777.1).

ClinVar aggregate classification (germline): Uncertain significance (1 of 4 stars; one submission).

Submission:

Labcorp Genetics (formerly Invitae), Labcorp
Classification: Uncertain significance. Last evaluated: 2025-10-28. Review status: criteria provided, single submitter. Criteria: Invitae Variant Classification Sherloc (09022015). Collection method: clinical testing. Allele origin: germline.
Comment: This variant, c.2891_2893dup, results in the insertion of 1 amino acid(s) of the AP3D1 protein (p.Ala964dup), but otherwise preserves the integrity of the reading frame. This variant is not present in population databases (gnomAD no frequency). This variant has not been reported in the literature in individuals affected with AP3D1-related conditions. In summary, the available evidence is currently insufficient to determine the role of this variant in disease. Therefore, it has been classified as a Variant of Uncertain Significance.